The following is an entry in ClinVar:

ClinVar aggregate classification (germline): Uncertain significance (1 of 4 stars; one submission).

Submission:

Labcorp Genetics (formerly Invitae), Labcorp
Classification: Uncertain significance. Last evaluated: 2024-07-17. Review status: criteria provided, single submitter. Criteria: Invitae Variant Classification Sherloc (09022015). Collection method: clinical testing. Allele origin: germline.
Comment: This sequence change replaces isoleucine, which is neutral and non-polar, with serine, which is neutral and polar, at codon 225 of the LMX1B protein (p.Ile225Ser). This variant is not present in population databases (gnomAD no frequency). This variant has not been reported in the literature in individuals affected with LMX1B-related conditions. Advanced modeling of protein sequence and biophysical properties (such as structural, functional, and spatial information, amino acid conservation, physicochemical variation, residue mobility, and thermodynamic stability) performed at Invitae indicates that this missense variant is not expected to disrupt LMX1B protein function with a negative predictive value of 80%. In summary, the available evidence is currently insufficient to determine the role of this variant in disease. Therefore, it has been classified as a Variant of Uncertain Significance.

NM_001174147.2(LMX1B):c.674T>G (p.Ile225Ser)

Gene: LMX1B (LIM homeobox transcription factor 1 beta; plus strand). Cytogenetic location: 9q33.3.
Variant type: single nucleotide variant.
Coding change: c.674T>G on transcript NM_001174147.2 (MANE Select); coding-DNA position 674, T replaced by G.
Protein change: p.Ile225Ser; replaces isoleucine 225 with serine.
Molecular consequence: missense variant.
Genome position (GRCh38, 1-based): chr9:126,693,256, T>G. VCF-style: chr9-126693256-T-G. GRCh37 (hg19) VCF-style: chr9-129455535-T-G.
Other names: c.674T>G, p.Ile225Ser (NM_001174146.2, NM_002316.4); short protein forms I225S.
Identifiers: ClinVar variation 2702308 (VCV002702308.3), dbSNP rs2490687998, ClinGen allele CA374913485.